The following is an entry in ClinVar:

NM_181882.3(PRX):c.1863G>A (p.Val621=)

Gene: PRX (periaxin; minus strand). Cytogenetic location: 19q13.2.
Variant type: single nucleotide variant.
Coding change: c.1863G>A on transcript NM_181882.3 (MANE Select); coding-DNA position 1863, G replaced by A.
Protein change: p.Val621=; no amino-acid change (valine 621 retained).
Molecular consequence: synonymous variant. On other transcripts: 3 prime UTR variant (1).
Genome position (GRCh38, 1-based): chr19:40,396,489, C>T on the plus strand (G>A on the coding strand, the complement: PRX is on the minus strand). VCF-style: chr19-40396489-C-T. GRCh37 (hg19) VCF-style: chr19-40902396-C-T.
Other names: c.2148G>A, p.Val716= (NM_001411127.1); c.*2068G>A (NM_020956.2).
Identifiers: ClinVar variation 1711484 (VCV001711484.33), dbSNP rs771684409, ClinGen allele CA9444179.

ClinVar aggregate classification (germline): Likely benign. Review status: criteria provided, multiple submitters, no conflicts (2 of 4 stars). 3 submissions from 3 submitters: Likely benign (3). Last evaluated 2026-06-06.

Conditions:
PRX-related disorder. Also called: PRX-Related Disorders; PRX-related condition.
Charcot-Marie-Tooth disease type 4. Also called: Charcot-Marie-Tooth, Type 4; Charcot-Marie-Tooth disease, type IV. Identifiers: Orphanet 64749, MedGen C4082197, MONDO:0018995.

Allele frequency attached by ClinVar (database versions not stated): gnomAD exomes below 0.00001; ExAC 0.00001.

Submissions (3):

PreventionGenetics, part of Exact Sciences
Classification: Likely benign for PRX-related condition. Last evaluated: 2026-06-06. Review status: criteria provided, single submitter. Criteria: ACMG Guidelines, 2015. Collection method: clinical testing. Allele origin: germline.
Comment: This variant is classified as likely benign based on ACMG/AMP sequence variant interpretation guidelines (Richards et al. 2015 PMID: 25741868, with internal and published modifications).

Labcorp Genetics (formerly Invitae), Labcorp
Classification: Likely benign for Charcot-Marie-Tooth disease type 4. Last evaluated: 2024-06-18. Review status: criteria provided, single submitter. Criteria: Invitae Variant Classification Sherloc (09022015). Collection method: clinical testing. Allele origin: germline.

CeGaT Center for Human Genetics Tuebingen
Classification: Likely benign. Last evaluated: 2022-09-01. Review status: criteria provided, single submitter. Criteria: CeGaT Center For Human Genetics Tuebingen Variant Classification Criteria Version 2. Collection method: clinical testing. Allele origin: germline. Affected: yes. Observed: 1 variant allele.
Comment: PRX: BP4, BP7